The following is an entry in ClinVar:

ClinVar aggregate classification (germline): Likely benign (1 of 4 stars; one submission).

Submission:

GeneDx
Classification: Likely benign. Last evaluated: 2018-02-27. Review status: criteria provided, single submitter. Criteria: GeneDx Variant Classification (06012015). Collection method: clinical testing. Allele origin: germline. Affected: yes.
Comment: This variant is considered likely benign or benign based on one or more of the following criteria: it is a conservative change, it occurs at a poorly conserved position in the protein, it is predicted to be benign by multiple in silico algorithms, and/or has population frequency not consistent with disease.

NM_000540.3(RYR1):c.8128C>T (p.Leu2710=)

Gene: RYR1 (ryanodine receptor 1; plus strand). Cytogenetic location: 19q13.2.
Variant type: single nucleotide variant.
Coding change: c.8128C>T on transcript NM_000540.3 (MANE Select); coding-DNA position 8128, C replaced by T.
Protein change: p.Leu2710=; no amino-acid change (leucine 2710 retained).
Molecular consequence: synonymous variant.
Genome position (GRCh38, 1-based): chr19:38,504,808, C>T. VCF-style: chr19-38504808-C-T. GRCh37 (hg19) VCF-style: chr19-38995448-C-T.
Other names: c.8128C>T, p.Leu2710= (NM_001042723.2).
Identifiers: ClinVar variation 515668 (VCV000515668.1), dbSNP rs1555785242, ClinGen allele CA507354228.
Genomic context (GRCh38, chr19:38,504,808, plus strand): 5'-AAATACGACCCGGAGCTGTACCGCATGGCCATGCCTTGTCTGTGCGCCATTGCCGGGGCT[C>T]TGCCCCCCGACTATGTGGATGCCTCATACTCATCTAAGGCAGAGAAAAAGGCCACAGTGG-3'
Protein context (NP_000531.2, residues 2700-2720): MPCLCAIAGA[Leu2710=]PPDYVDASYS